The following is an entry in ClinVar:

NM_006946.4(SPTBN2):c.3368G>A (p.Arg1123Gln)

Gene: SPTBN2 (spectrin beta, non-erythrocytic 2; minus strand). Cytogenetic location: 11q13.2.
Variant type: single nucleotide variant.
Coding change: c.3368G>A on transcript NM_006946.4 (MANE Select); coding-DNA position 3368, G replaced by A.
Protein change: p.Arg1123Gln; replaces arginine 1123 with glutamine.
Molecular consequence: missense variant.
Genome position (GRCh38, 1-based): chr11:66,700,731, C>T on the plus strand (G>A on the coding strand, the complement: SPTBN2 is on the minus strand). VCF-style: chr11-66700731-C-T. GRCh37 (hg19) VCF-style: chr11-66468202-C-T.
Other names: c.3389G>A, p.Arg1130Gln (NM_001411025.1); short protein forms R1130Q, R1123Q.
Identifiers: ClinVar variation 3322441 (VCV003322441.3).

ClinVar aggregate classification (germline): Uncertain significance. Review status: criteria provided, multiple submitters, no conflicts (2 of 4 stars). 2 submissions from 2 submitters: Uncertain significance (2). Last evaluated 2026-06-01.

Conditions:
Inborn genetic diseases. Identifiers: MedGen C0950123, MeSH D030342.

gnomAD v4.1: 48 of 1,603,382 alleles (0.003%); highest among the groups gnomAD compares: Middle Eastern, 0.049%; no homozygotes.

Submissions (2):

CeGaT Center for Human Genetics Tuebingen
Classification: Uncertain significance. Last evaluated: 2026-06-01. Review status: criteria provided, single submitter. Criteria: CeGaT Center For Human Genetics Tuebingen Variant Classification Criteria Version 2. Collection method: clinical testing. Allele origin: germline. Affected: yes. Observed: 1 variant allele.
Comment: SPTBN2: PM2, BP4

Ambry Genetics
Classification: Uncertain significance for Inborn genetic diseases. Last evaluated: 2024-04-15. Review status: criteria provided, single submitter. Criteria: Ambry Variant Classification Scheme 2023. Collection method: clinical testing. Allele origin: germline.